The following is an entry in ClinVar:

NM_001374736.1(DST):c.21875A>T (p.Glu7292Val)

Gene: DST (dystonin; minus strand). Cytogenetic location: 6p12.1.
Variant type: single nucleotide variant.
Coding change: c.21875A>T on transcript NM_001374736.1 (MANE Select); coding-DNA position 21875, A replaced by T.
Protein change: p.Glu7292Val; replaces glutamic acid 7292 with valine.
Molecular consequence: missense variant.
Genome position (GRCh38, 1-based): chr6:56,473,992, T>A on the plus strand (A>T on the coding strand, the complement: DST is on the minus strand). VCF-style: chr6-56473992-T-A. GRCh37 (hg19) VCF-style: chr6-56338790-T-A.
Other names: c.15518A>T, p.Glu5173Val (NM_001144769.5); c.15104A>T, p.Glu5035Val (NM_001144770.2); c.21875A>T, p.Glu7292Val (NM_001374722.1); c.20915A>T, p.Glu6972Val (NM_001374729.1); c.14657A>T, p.Glu4886Val (NM_001374730.1); c.21902A>T, p.Glu7301Val (NM_001374734.1); c.14984A>T, p.Glu4995Val (NM_001386100.1, NM_183380.4); c.14006A>T, p.Glu4669Val (NM_015548.5); short protein forms E6972V, E7301V, E4995V, E5035V, E5173V, E4669V, E4886V, E7292V.
Identifiers: ClinVar variation 1504727 (VCV001504727.6), dbSNP rs2152403302, ClinGen allele CA364509795.

ClinVar aggregate classification (germline): Uncertain significance (1 of 4 stars; one submission).

Conditions:
Hereditary sensory and autonomic neuropathy type 6. Also called: Neuropathy, hereditary sensory and autonomic, type VI; HSAN VI. Identifiers: Orphanet 314381, MedGen C3539003, MONDO:0013839, OMIM 614653.
Epidermolysis bullosa simplex 3, localized or generalized intermediate, with BP230 deficiency (EBS3). Also called: Epidermolysis bullosa simplex due to BP230 deficiency; Epidermolysis bullosa simplex, autosomal recessive 2. Identifiers: Orphanet 412181, MedGen C3809470, MONDO:0014180, OMIM 615425.

Submission:

Labcorp Genetics (formerly Invitae), Labcorp
Classification: Uncertain significance for Epidermolysis bullosa simplex 3, localized or generalized intermediate, with BP230 deficiency; Hereditary sensory and autonomic neuropathy type 6. Last evaluated: 2020-12-01. Review status: criteria provided, single submitter. Criteria: Invitae Variant Classification Sherloc (09022015). Collection method: clinical testing. Allele origin: germline.
Comment: This sequence change replaces glutamic acid with valine at codon 4669 of the DST protein (p.Glu4669Val). The DST gene has multiple clinically relevant transcripts. This variant occurs in alternate transcript NM_015548.4, and corresponds to NM_001723.5:c.*141525A>T in the primary transcript. In summary, the available evidence is currently insufficient to determine the role of this variant in disease. Therefore, it has been classified as a Variant of Uncertain Significance. Experimental studies and prediction algorithms are not available or were not evaluated, and the functional significance of this variant is currently unknown. This variant has not been reported in the literature in individuals with DST-related conditions. This variant is not present in population databases (ExAC no frequency).